The following is an entry in ClinVar:

ClinVar aggregate classification (germline): Likely benign (1 of 4 stars; one submission).

gnomAD v4.1: 1 of 1,613,828 alleles (0.000062%); highest among the groups gnomAD compares: Non-Finnish European, 0.000085%; no homozygotes.

Submission:

CeGaT Center for Human Genetics Tuebingen
Classification: Likely benign. Last evaluated: 2026-04-01. Review status: criteria provided, single submitter. Criteria: CeGaT Center For Human Genetics Tuebingen Variant Classification Criteria Version 2. Collection method: clinical testing. Allele origin: germline. Affected: yes. Observed: 2 variant alleles.
Comment: DIP2A: BP4, BP7

NM_015151.4(DIP2A):c.495C>A (p.Pro165=)

Gene: DIP2A (DIP2 acetate--CoA ligase A; plus strand). Cytogenetic location: 21q22.3.
Variant type: single nucleotide variant.
Coding change: c.495C>A on transcript NM_015151.4 (MANE Select); coding-DNA position 495, C replaced by A.
Protein change: p.Pro165=; no amino-acid change (proline 165 retained).
Molecular consequence: synonymous variant. On other transcripts: intron variant (1).
Genome position (GRCh38, 1-based): chr21:46,498,673, C>A. VCF-style: chr21-46498673-C-A. GRCh37 (hg19) VCF-style: chr21-47918586-C-A.
Other names: c.495C>A, p.Pro165= (NM_001146115.2, NM_001146116.2, NM_001353942.2 and 5 more transcripts); c.403+1566C>A (NM_001353944.2).
Identifiers: ClinVar variation 4084432 (VCV004084432.8).